The following is an entry in ClinVar:

NM_001142416.2(AIMP1):c.7AAT[1] (p.Asn4del)

Gene: AIMP1 (aminoacyl tRNA synthetase complex interacting multifunctional protein 1; plus strand). Cytogenetic location: 4q24.
Variant type: Microsatellite.
Coding change: c.7AAT[1] on transcript NM_001142416.2 (MANE Select); one copy of the 3-base unit AAT starting at c.7; the reference has two copies in a row; one copy, 3 bases deleted.
Protein change: p.Asn4del; deletes asparagine 4.
Molecular consequence: inframe deletion.
Genome position (GRCh38, 1-based): chr4:106,325,019-106,325,021, AAT deleted; deleting any 3 consecutive bases within chr4:106,325,016-106,325,021 gives the same sequence; the position shown is the placement nearest the transcript's 3' end. VCF-style (leftmost placement, unchanged base first): chr4-106325015-AAAT-A. GRCh37 (hg19) VCF-style: chr4-107246172-AAAT-A.
Other names: c.10_12del (NM_004757.3); c.7AAT[1], p.Asn4del (NM_001142415.2, NM_004757.4); short protein forms N4del.
Identifiers: ClinVar variation 1497296 (VCV001497296.11), dbSNP rs769350799, ClinGen allele CA3035606.

ClinVar aggregate classification (germline): Uncertain significance. Review status: criteria provided, multiple submitters, no conflicts (2 of 4 stars). 2 submissions from 2 submitters: Uncertain significance (2). Last evaluated 2023-12-01.

Conditions:
Leukodystrophy, hypomyelinating, 3. Identifiers: Orphanet 280270, Orphanet 280293, MedGen C1850053, MONDO:0009843, OMIM 260600.

Submissions (2):

GeneDx
Classification: Uncertain significance. Last evaluated: 2023-12-01. Review status: criteria provided, single submitter. Criteria: GeneDx Variant Classification Process June 2021. Collection method: clinical testing. Allele origin: germline. Affected: yes.
Comment: In-frame deletion of 1 amino acids in a non-repeat region; In silico analysis supports that this variant does not alter protein structure/function; Has not been previously published as pathogenic or benign to our knowledge

Labcorp Genetics (formerly Invitae), Labcorp
Classification: Uncertain significance. Last evaluated: 2021-12-02. Review status: criteria provided, single submitter. Criteria: Invitae Variant Classification Sherloc (09022015). Collection method: clinical testing. Allele origin: germline.
Comment: In summary, the available evidence is currently insufficient to determine the role of this variant in disease. Therefore, it has been classified as a Variant of Uncertain Significance. This variant has not been reported in the literature in individuals affected with AIMP1-related conditions. This variant is present in population databases (rs769350799, gnomAD 0.03%). This variant, c.10_12del, results in the deletion of 1 amino acid(s) of the AIMP1 protein (p.Asn4del), but otherwise preserves the integrity of the reading frame.